The following is an entry in ClinVar:

NM_001039141.3(TRIOBP):c.3737C>T (p.Pro1246Leu)

Gene: TRIOBP (TRIO and F-actin binding protein; plus strand). Cytogenetic location: 22q13.1.
Variant type: single nucleotide variant.
Coding change: c.3737C>T on transcript NM_001039141.3 (MANE Select); coding-DNA position 3737, C replaced by T.
Protein change: p.Pro1246Leu; replaces proline 1246 with leucine.
Molecular consequence: missense variant.
Genome position (GRCh38, 1-based): chr22:37,726,293, C>T. VCF-style: chr22-37726293-C-T. GRCh37 (hg19) VCF-style: chr22-38122300-C-T.
Other names: short protein forms P1246L.
Identifiers: ClinVar variation 2581312 (VCV002581312.1), dbSNP rs552077328, ClinGen allele CA324136618.

ClinVar aggregate classification (germline): Uncertain significance (1 of 4 stars; one submission).

Allele frequency attached by ClinVar (database versions not stated): gnomAD exomes 0.00001; gnomAD 0.00005; 1000 Genomes Project 0.00020; 1000 Genomes Project 30x 0.00031.
gnomAD v4.1: 14 of 1,613,012 alleles (0.00087%); highest among the groups gnomAD compares: African/African-American, 0.0067%; no homozygotes.

Submission:

Women's Health and Genetics/Laboratory Corporation of America, LabCorp
Classification: Uncertain significance. Last evaluated: 2023-08-23. Review status: criteria provided, single submitter. Criteria: LabCorp Variant Classification Summary - May 2015. Collection method: clinical testing. Allele origin: germline.
Comment: Variant summary: TRIOBP c.3737C>T (p.Pro1246Leu) results in a non-conservative amino acid change in the encoded protein sequence. Three of five in-silico tools predict a benign effect of the variant on protein function. The variant allele was found at a frequency of 4.1e-06 in 245954 control chromosomes (gnomAD). The available data on variant occurrences in the general population are insufficient to allow any conclusion about variant significance. To our knowledge, no occurrence of c.3737C>T in individuals affected with Autosomal Recessive Nonsyndromic Hearing Loss 28 and no experimental evidence demonstrating its impact on protein function have been reported. No submitters have cited clinical-significance assessments for this variant to ClinVar after 2014. Based on the evidence outlined above, the variant was classified as uncertain significance.